The following is an entry in ClinVar:

ClinVar aggregate classification (germline): Uncertain significance. Review status: criteria provided, multiple submitters, no conflicts (2 of 4 stars). 2 submissions from 2 submitters: Uncertain significance (2). Last evaluated 2025-04-17.

Conditions:
Familial cancer of breast. Also called: BREAST CANCER, FAMILIAL; hereditary breast carcinoma; Hereditary breast cancer. Identifiers: Orphanet 227535, MedGen C0346153, MONDO:0016419, OMIM 114480. Disease mechanism: loss of function.
Hereditary cancer-predisposing syndrome. Also called: Neoplastic Syndromes, Hereditary; Tumor predisposition; Hereditary Cancer Syndrome; Hereditary neoplastic syndrome. Identifiers: Orphanet 140162, MedGen C0027672, MeSH D009386, MONDO:0015356.

Allele frequency attached by ClinVar (database versions not stated): gnomAD 0.00001.
gnomAD v4.1: 1 of 1,613,848 alleles (0.000062%); no homozygotes.

Submissions (2):

Ambry Genetics
Classification: Uncertain significance for Hereditary cancer-predisposing syndrome. Last evaluated: 2025-04-17. Review status: criteria provided, single submitter. Criteria: Ambry Variant Classification Scheme 2023. Collection method: clinical testing. Allele origin: germline.
Comment: The p.N105K variant (also known as c.315T>A), located in coding exon 1 of the CHEK2 gene, results from a T to A substitution at nucleotide position 315. The asparagine at codon 105 is replaced by lysine, an amino acid with similar properties. This amino acid position is highly conserved in available vertebrate species. In addition, the in silico prediction for this alteration is inconclusive. Since supporting evidence is limited at this time, the clinical significance of this alteration remains unclear.

Labcorp Genetics (formerly Invitae), Labcorp
Classification: Uncertain significance for Familial cancer of breast. Last evaluated: 2024-09-16. Review status: criteria provided, single submitter. Criteria: Invitae Variant Classification Sherloc (09022015). Collection method: clinical testing. Allele origin: germline.
Comment: This sequence change replaces asparagine, which is neutral and polar, with lysine, which is basic and polar, at codon 105 of the CHEK2 protein (p.Asn105Lys). This variant is not present in population databases (gnomAD no frequency). This variant has not been reported in the literature in individuals affected with CHEK2-related conditions. ClinVar contains an entry for this variant (Variation ID: 460823). An algorithm developed to predict the effect of missense changes on protein structure and function (PolyPhen-2) suggests that this variant is likely to be disruptive. In summary, the available evidence is currently insufficient to determine the role of this variant in disease. Therefore, it has been classified as a Variant of Uncertain Significance.

NM_007194.4(CHEK2):c.315T>A (p.Asn105Lys)

Gene: CHEK2 (checkpoint kinase 2; minus strand). Cytogenetic location: 22q12.1.
Variant type: single nucleotide variant.
Coding change: c.315T>A on transcript NM_007194.4 (MANE Select); coding-DNA position 315, T replaced by A.
Protein change: p.Asn105Lys; replaces asparagine 105 with lysine.
Molecular consequence: missense variant.
Genome position (GRCh38, 1-based): chr22:28,734,407, A>T on the plus strand (T>A on the coding strand, the complement: CHEK2 is on the minus strand). VCF-style: chr22-28734407-A-T. GRCh37 (hg19) VCF-style: chr22-29130395-A-T.
Other names: c.315T>A, p.Asn105Lys (NM_001005735.3, NM_001349956.3, NM_145862.3); c.-463T>A (NM_001257387.3); short protein forms N105K.
Identifiers: ClinVar variation 460823 (VCV000460823.15), dbSNP rs1555932027, ClinGen allele CA411090174.